The following is an entry in ClinVar:

NM_006231.4(POLE):c.490G>A (p.Val164Ile)

Gene: POLE (DNA polymerase epsilon, catalytic subunit; minus strand). Cytogenetic location: 12q24.33.
Variant type: single nucleotide variant.
Coding change: c.490G>A on transcript NM_006231.4 (MANE Select); coding-DNA position 490, G replaced by A.
Protein change: p.Val164Ile; replaces valine 164 with isoleucine.
Molecular consequence: missense variant.
Genome position (GRCh38, 1-based): chr12:132,679,585, C>T on the plus strand (G>A on the coding strand, the complement: POLE is on the minus strand). VCF-style: chr12-132679585-C-T. GRCh37 (hg19) VCF-style: chr12-133256171-C-T.
Other names: short protein forms V164I.
Identifiers: ClinVar variation 1310414 (VCV001310414.9), dbSNP rs770769315, ClinGen allele CA6894301.

ClinVar aggregate classification (germline): Uncertain significance. Review status: criteria provided, multiple submitters, no conflicts (2 of 4 stars). 3 submissions from 3 submitters: Uncertain significance (3). Last evaluated 2025-07-01.

Conditions:
Hereditary cancer-predisposing syndrome. Also called: Tumor predisposition; Neoplastic Syndromes, Hereditary; Hereditary Cancer Syndrome; Hereditary neoplastic syndrome. Identifiers: Orphanet 140162, MedGen C0027672, MeSH D009386, MONDO:0015356.

Allele frequency attached by ClinVar (database versions not stated): gnomAD exomes below 0.00001 and 0.00001; ExAC 0.00001.
gnomAD v4.1: 2 of 1,614,122 alleles (0.00012%); highest among the groups gnomAD compares: Non-Finnish European, 0.00017%; no homozygotes.

Submissions (3):

Ambry Genetics
Classification: Uncertain significance for Hereditary cancer-predisposing syndrome. Last evaluated: 2025-07-01. Review status: criteria provided, single submitter. Criteria: Ambry Variant Classification Scheme 2023. Collection method: clinical testing. Allele origin: germline.
Comment: The p.V164I variant (also known as c.490G>A), located in coding exon 6 of the POLE gene, results from a G to A substitution at nucleotide position 490. The valine at codon 164 is replaced by isoleucine, an amino acid with highly similar properties. This amino acid position is conserved. In addition, this alteration is predicted to be tolerated by in silico analysis. Since supporting evidence is limited at this time, the clinical significance of this alteration remains unclear.

Labcorp Genetics (formerly Invitae), Labcorp
Classification: Uncertain significance. Last evaluated: 2022-12-14. Review status: criteria provided, single submitter. Criteria: Invitae Variant Classification Sherloc (09022015). Collection method: clinical testing. Allele origin: germline.
Comment: This variant is present in population databases (rs770769315, gnomAD 0.006%). In summary, the available evidence is currently insufficient to determine the role of this variant in disease. Therefore, it has been classified as a Variant of Uncertain Significance. Advanced modeling of protein sequence and biophysical properties (such as structural, functional, and spatial information, amino acid conservation, physicochemical variation, residue mobility, and thermodynamic stability) performed at Invitae indicates that this missense variant is not expected to disrupt POLE protein function. ClinVar contains an entry for this variant (Variation ID: 1310414). This variant has not been reported in the literature in individuals affected with POLE-related conditions. This sequence change replaces valine, which is neutral and non-polar, with isoleucine, which is neutral and non-polar, at codon 164 of the POLE protein (p.Val164Ile).

GeneDx
Classification: Uncertain significance. Last evaluated: 2019-11-13. Review status: criteria provided, single submitter. Criteria: GeneDx Variant Classification Process June 2021. Collection method: clinical testing. Allele origin: germline. Affected: yes.
Comment: In silico analysis, which includes protein predictors and evolutionary conservation, supports that this variant does not alter protein structure/function; Has not been previously published as pathogenic or benign to our knowledge